The following is an entry in ClinVar:

NM_000722.4(CACNA2D1):c.295-71G>C

Gene: CACNA2D1 (calcium voltage-gated channel auxiliary subunit alpha2delta 1; minus strand). Cytogenetic location: 7q21.11.
Variant type: single nucleotide variant.
Coding change: c.295-71G>C on transcript NM_000722.4 (MANE Select); 71 bases into the intron before coding-DNA position 295, G replaced by C.
Molecular consequence: intron variant.
Genome position (GRCh38, 1-based): chr7:82,170,680, C>G on the plus strand (G>C on the coding strand, the complement: CACNA2D1 is on the minus strand). VCF-style: chr7-82170680-C-G. GRCh37 (hg19) VCF-style: chr7-81799996-C-G.
Other names: c.295-71G>C (NM_001366867.1, NM_001302890.2).
Identifiers: ClinVar variation 674761 (VCV000674761.2), dbSNP rs73387972, ClinGen allele CA161618525.

ClinVar aggregate classification (germline): Benign. Review status: criteria provided, multiple submitters, no conflicts (2 of 4 stars). 2 submissions from 2 submitters: Benign (2). Last evaluated 2018-06-16.

Allele frequency attached by ClinVar (database versions not stated): 1000 Genomes Project 0.06090; 1000 Genomes Project 30x 0.06433; ESP Exome Variant Server 0.07008; TOPMed 0.07103.
gnomAD v4.1: 43,306 of 1,355,982 alleles (3.2%); highest among the groups gnomAD compares: African/African-American, 17%; 1,567 homozygotes.

Submissions (2):

GeneDx
Classification: Benign. Last evaluated: 2018-06-16. Review status: criteria provided, single submitter. Criteria: GeneDx Variant Classification (06012015). Collection method: clinical testing. Allele origin: germline. Affected: yes.
Comment: This variant is considered likely benign or benign based on one or more of the following criteria: it is a conservative change, it occurs at a poorly conserved position in the protein, it is predicted to be benign by multiple in silico algorithms, and/or has population frequency not consistent with disease.

Breakthrough Genomics
Classification: Benign. Review status: criteria provided, single submitter. Criteria: ACMG Guidelines, 2015. Collection method: not provided. Allele origin: germline. Inheritance: Autosomal recessive inheritance. Affected: yes.